The following is an entry in ClinVar:

ClinVar aggregate classification (germline): Conflicting classifications of pathogenicity. Review status: criteria provided, conflicting classifications (1 of 4 stars). 2 submissions from 2 submitters: Uncertain significance (1); Likely benign (1). Last evaluated 2024-07-12.

Conditions:
Kabuki syndrome 2 (KABUK2). Also called: KDM6A-Related Kabuki Syndrome. Identifiers: Orphanet 2322, MedGen C3275495, MONDO:0010465, OMIM 300867.

Allele frequency attached by ClinVar (database versions not stated): gnomAD exomes below 0.00001; gnomAD 0.00005; TOPMed 0.00006.
gnomAD v4.1: 10 of 1,209,974 alleles (0.00083%); highest among the groups gnomAD compares: African/African-American, 0.016%; no homozygotes.

Submissions (2):

Labcorp Genetics (formerly Invitae), Labcorp
Classification: Likely benign for Kabuki syndrome 2. Last evaluated: 2024-07-12. Review status: criteria provided, single submitter. Criteria: Invitae Variant Classification Sherloc (09022015). Collection method: clinical testing. Allele origin: germline.

GeneDx
Classification: Uncertain significance. Last evaluated: 2022-04-04. Review status: criteria provided, single submitter. Criteria: GeneDx Variant Classification Process June 2021. Collection method: clinical testing. Allele origin: germline. Affected: yes.
Comment: In silico analysis supports that this variant does not alter splicing; Has not been previously published as pathogenic or benign to our knowledge

NM_001291415.2(KDM6A):c.2502C>T (p.Ala834=)

Gene: KDM6A (lysine demethylase 6A; plus strand). Cytogenetic location: Xp11.3.
Variant type: single nucleotide variant.
Coding change: c.2502C>T on transcript NM_001291415.2 (MANE Select); coding-DNA position 2502, C replaced by T.
Protein change: p.Ala834=; no amino-acid change (alanine 834 retained).
Molecular consequence: synonymous variant. On other transcripts: non-coding transcript variant (1).
Genome position (GRCh38, 1-based): chrX:45,070,001, C>T. VCF-style: chrX-45070001-C-T. GRCh37 (hg19) VCF-style: chrX-44929246-C-T.
Other names: c.2367C>T, p.Ala789= (NM_001291416.2); c.2211C>T, p.Ala737= (NM_001291417.2); c.2109C>T, p.Ala703= (NM_001291418.2); c.1458C>T, p.Ala486= (NM_001291421.2); c.2346C>T, p.Ala782= (NM_021140.4).
Identifiers: ClinVar variation 1529076 (VCV001529076.9), dbSNP rs965420348, ClinGen allele CA329050161.